The following is an entry in ClinVar:

NM_002439.5(MSH3):c.2085-5T>G

Gene: MSH3 (mutS homolog 3; plus strand). Cytogenetic location: 5q14.1.
Variant type: single nucleotide variant.
Coding change: c.2085-5T>G on transcript NM_002439.5 (MANE Select); 5 bases into the intron before coding-DNA position 2085, T replaced by G.
Molecular consequence: intron variant.
Genome position (GRCh38, 1-based): chr5:80,768,830, T>G. VCF-style: chr5-80768830-T-G. GRCh37 (hg19) VCF-style: chr5-80064649-T-G.
Identifiers: ClinVar variation 1785621 (VCV001785621.5), dbSNP rs2546774159, ClinGen allele CA2580073500.

ClinVar aggregate classification (germline): Uncertain significance. Review status: criteria provided, multiple submitters, no conflicts (2 of 4 stars). 2 submissions from 2 submitters: Uncertain significance (2). Last evaluated 2025-05-20.

Conditions:
Hereditary cancer-predisposing syndrome. Also called: Neoplastic Syndromes, Hereditary; Tumor predisposition; Hereditary Cancer Syndrome; Hereditary neoplastic syndrome. Identifiers: Orphanet 140162, MedGen C0027672, MeSH D009386, MONDO:0015356.

Submissions (2):

Ambry Genetics
Classification: Uncertain significance for Hereditary cancer-predisposing syndrome. Last evaluated: 2025-05-20. Review status: criteria provided, single submitter. Criteria: Ambry Variant Classification Scheme 2023. Collection method: clinical testing. Allele origin: germline.
Comment: The c.2085-5T>G intronic variant results from a T to G substitution 5 nucleotides upstream from coding exon 15 in the MSH3 gene. This nucleotide position is well conserved in available vertebrate species. In silico splice site analysis predicts that this alteration will weaken the native splice acceptor site; however, direct evidence is insufficient at this time (Ambry internal data). Since supporting evidence is limited at this time, the clinical significance of this alteration remains unclear.

Labcorp Genetics (formerly Invitae), Labcorp
Classification: Uncertain significance. Last evaluated: 2024-10-15. Review status: criteria provided, single submitter. Criteria: Invitae Variant Classification Sherloc (09022015). Collection method: clinical testing. Allele origin: germline.
Comment: This sequence change falls in intron 14 of the MSH3 gene. It does not directly change the encoded amino acid sequence of the MSH3 protein. This variant is not present in population databases (gnomAD no frequency). This variant has not been reported in the literature in individuals affected with MSH3-related conditions. ClinVar contains an entry for this variant (Variation ID: 1785621). Algorithms developed to predict the effect of sequence changes on RNA splicing suggest that this variant may disrupt the consensus splice site. In summary, the available evidence is currently insufficient to determine the role of this variant in disease. Therefore, it has been classified as a Variant of Uncertain Significance.